The following is an entry in ClinVar:

ClinVar aggregate classification (germline): Uncertain significance (1 of 4 stars; one submission).

Conditions:
Developmental and epileptic encephalopathy 93. Also called: EPILEPTIC ENCEPHALOPATHY, INFANTILE OR EARLY CHILDHOOD, 3. Identifiers: MedGen C4693934, MONDO:0020632, OMIM 618012.

Submission:

OLLIN Analises Genomicas, OLLIN
Classification: Uncertain significance for Developmental and epileptic encephalopathy 93. Last evaluated: 2026-02-13. Review status: criteria provided, single submitter. Criteria: ACMG Guidelines 2015 PMID 25741868. Collection method: clinical testing. Allele origin: germline. Observed: 1 variant allele.
Comment: PM2_P, PP2, PP3_M

NM_001690.4(ATP6V1A):c.1256A>G (p.Asp419Gly)

Gene: ATP6V1A (ATPase H+ transporting V1 subunit A; plus strand). Cytogenetic location: 3q13.31.
Variant type: single nucleotide variant.
Coding change: c.1256A>G on transcript NM_001690.4 (MANE Select); coding-DNA position 1256, A replaced by G.
Protein change: p.Asp419Gly; replaces aspartic acid 419 with glycine.
Molecular consequence: missense variant.
Genome position (GRCh38, 1-based): chr3:113,795,905, A>G. VCF-style: chr3-113795905-A-G. GRCh37 (hg19) VCF-style: chr3-113514752-A-G.
Other names: short protein forms D419G.
Identifiers: ClinVar variation 4814066 (VCV004814066.1).